The following is an entry in ClinVar:

ClinVar aggregate classification (germline): Uncertain significance (1 of 4 stars; one submission).

Conditions:
Charcot-Marie-Tooth disease X-linked dominant 6. Also called: CHARCOT-MARIE-TOOTH NEUROPATHY, X-LINKED DOMINANT, 6. Identifiers: Orphanet 352675, MedGen C3806702, MONDO:0010479, OMIM 300905.

Allele frequency attached by ClinVar (database versions not stated): TOPMed below 0.00001; ExAC 0.00002; gnomAD 0.00002 and 0.00003; gnomAD exomes 0.00002; 1000 Genomes Project 30x 0.00021; 1000 Genomes Project 0.00026.
gnomAD v4.1: 12 of 1,207,074 alleles (0.00099%); highest among the groups gnomAD compares: African/African-American, 0.007%; no homozygotes.

Submission:

Labcorp Genetics (formerly Invitae), Labcorp
Classification: Uncertain significance for Charcot-Marie-Tooth disease X-linked dominant 6. Last evaluated: 2025-09-02. Review status: criteria provided, single submitter. Criteria: Invitae Variant Classification Sherloc (09022015). Collection method: clinical testing. Allele origin: germline.
Comment: This sequence change replaces alanine, which is neutral and non-polar, with threonine, which is neutral and polar, at codon 376 of the PDK3 protein (p.Ala376Thr). The frequency data for this variant in the population databases is considered unreliable, as metrics indicate poor data quality at this position in the gnomAD database. This variant has not been reported in the literature in individuals affected with PDK3-related conditions. ClinVar contains an entry for this variant (Variation ID: 568129). An algorithm developed to predict the effect of missense changes on protein structure and function (PolyPhen-2) suggests that this variant is likely to be tolerated. In summary, the available evidence is currently insufficient to determine the role of this variant in disease. Therefore, it has been classified as a Variant of Uncertain Significance.

NM_005391.5(PDK3):c.1126G>A (p.Ala376Thr)

Gene: PDK3 (pyruvate dehydrogenase kinase 3; plus strand). Cytogenetic location: Xp22.11.
Variant type: single nucleotide variant.
Coding change: c.1126G>A on transcript NM_005391.5 (MANE Select); coding-DNA position 1126, G replaced by A.
Protein change: p.Ala376Thr; replaces alanine 376 with threonine.
Molecular consequence: missense variant.
Genome position (GRCh38, 1-based): chrX:24,533,977, G>A. VCF-style: chrX-24533977-G-A. GRCh37 (hg19) VCF-style: chrX-24552094-G-A.
Other names: c.1126G>A, p.Ala376Thr (NM_001142386.3); short protein forms A376T.
Identifiers: ClinVar variation 568129 (VCV000568129.10), dbSNP rs781166988, ClinGen allele CA10372401.